The following is an entry in ClinVar:

NM_080473.5(GATA5):c.1170C>G (p.Ala390=)

Gene: GATA5 (GATA binding protein 5; minus strand). Cytogenetic location: 20q13.33.
Variant type: single nucleotide variant.
Coding change: c.1170C>G on transcript NM_080473.5 (MANE Select); coding-DNA position 1170, C replaced by G.
Protein change: p.Ala390=; no amino-acid change (alanine 390 retained).
Molecular consequence: synonymous variant.
Genome position (GRCh38, 1-based): chr20:62,464,860, G>C on the plus strand (C>G on the coding strand, the complement: GATA5 is on the minus strand). VCF-style: chr20-62464860-G-C. GRCh37 (hg19) VCF-style: chr20-61039916-G-C.
Other names: c.1170C>G (NM_080473.4).
Identifiers: ClinVar variation 1588643 (VCV001588643.11), dbSNP rs373652316, ClinGen allele CA9946015.

ClinVar aggregate classification (germline): Likely benign. Review status: criteria provided, multiple submitters, no conflicts (2 of 4 stars). 3 submissions from 3 submitters: Likely benign (2). 1 of the submissions does not count toward it. Last evaluated 2025-08-10.

Conditions:
GATA5-related disorder. Also called: GATA5-related condition.

Allele frequency attached by ClinVar (database versions not stated): ExAC 0.00004; gnomAD exomes 0.00004 and 0.00006; gnomAD 0.00005 and 0.00006; TOPMed 0.00007; ESP Exome Variant Server 0.00008.
gnomAD v4.1: 95 of 1,607,988 alleles (0.0059%); highest among the groups gnomAD compares: Non-Finnish European, 0.0078%; no homozygotes.

Submissions (3):

Labcorp Genetics (formerly Invitae), Labcorp
Classification: Likely benign. Last evaluated: 2025-08-10. Review status: criteria provided, single submitter. Criteria: Invitae Variant Classification Sherloc (09022015). Collection method: clinical testing. Allele origin: germline.

Blueprint Genetics
Classification: Likely benign. Last evaluated: 2024-06-26. Review status: criteria provided, single submitter. Criteria: ACMG Guidelines, 2015. Collection method: clinical testing. Allele origin: germline.

PreventionGenetics, part of Exact Sciences
Classification: Likely benign for GATA5-related condition. Last evaluated: 2019-08-09. Review status: no assertion criteria provided. Collection method: clinical testing. Allele origin: germline. Not counted in ClinVar's aggregate classification.
Comment: This variant is classified as likely benign based on ACMG/AMP sequence variant interpretation guidelines (Richards et al. 2015 PMID: 25741868, with internal and published modifications).